The following is an entry in ClinVar:

ClinVar aggregate classification (germline): Pathogenic (1 of 4 stars; one submission).

Conditions:
Spermatogenic failure 18. Identifiers: MedGen C4539783, MONDO:0054615, OMIM 617576.
Ciliary dyskinesia, primary, 37 (CILD37). Also called: CILIARY DYSKINESIA, PRIMARY, 37, WITH OR WITHOUT SITUS INVERSUS. Identifiers: MedGen C4539798, MONDO:0033204, OMIM 617577.

Submission:

Labcorp Genetics (formerly Invitae), Labcorp
Classification: Pathogenic for Ciliary dyskinesia, primary, 37; Spermatogenic failure 18. Last evaluated: 2024-02-25. Review status: criteria provided, single submitter. Criteria: Invitae Variant Classification Sherloc (09022015). Collection method: clinical testing. Allele origin: germline.
Comment: This sequence change creates a premature translational stop signal (p.Ile3208Serfs*27) in the DNAH1 gene. It is expected to result in an absent or disrupted protein product. Loss-of-function variants in DNAH1 are known to be pathogenic (PMID: 27573432, 27798045). This variant is not present in population databases (gnomAD no frequency). This variant has not been reported in the literature in individuals affected with DNAH1-related conditions. Algorithms developed to predict the effect of sequence changes on RNA splicing suggest that this variant may create or strengthen a splice site. For these reasons, this variant has been classified as Pathogenic.

Literature cited by the submitters: PubMed 27573432; PubMed 27798045.

NM_015512.5(DNAH1):c.9623_9624del (p.Ile3208fs)

Gene: DNAH1 (dynein axonemal heavy chain 1; plus strand). Cytogenetic location: 3p21.1.
Variant type: Deletion.
Coding change: c.9623_9624del on transcript NM_015512.5 (MANE Select); coding-DNA positions 9623 to 9624, 2 bases deleted (TC; older notation c.9623_9624delTC).
Protein change: p.Ile3208fs; shifts the reading frame from isoleucine 3208.
Molecular consequence: frameshift variant.
Genome position (GRCh38, 1-based): chr3:52,390,936-52,390,937, TC deleted. VCF-style (leftmost placement, unchanged base first): chr3-52390935-ATC-A. GRCh37 (hg19) VCF-style: chr3-52424951-ATC-A.
Other names: short protein forms I3208fs.
Identifiers: ClinVar variation 3754822 (VCV003754822.2).